The following is an entry in ClinVar:

NM_001029896.2(WDR45):c.669A>C (p.Gln223His)

Gene: WDR45 (WD repeat domain 45; minus strand). Cytogenetic location: Xp11.23.
Variant type: single nucleotide variant.
Coding change: c.669A>C on transcript NM_001029896.2 (MANE Select); coding-DNA position 669, A replaced by C.
Protein change: p.Gln223His; replaces glutamine 223 with histidine.
Molecular consequence: missense variant.
Genome position (GRCh38, 1-based): chrX:49,075,601, T>G on the plus strand (A>C on the coding strand, the complement: WDR45 is on the minus strand). VCF-style: chrX-49075601-T-G. GRCh37 (hg19) VCF-style: chrX-48933260-T-G.
Other names: c.672A>C, p.Gln224His (NM_007075.4); short protein forms Q223H, Q224H.
Identifiers: ClinVar variation 1197042 (VCV001197042.2), dbSNP rs2147815349, ClinGen allele CA412943783.

ClinVar aggregate classification (germline): Uncertain significance (1 of 4 stars; one submission).

Submission:

GeneDx
Classification: Uncertain significance. Last evaluated: 2019-11-11. Review status: criteria provided, single submitter. Criteria: GeneDx Variant Classification Process June 2021. Collection method: clinical testing. Allele origin: germline. Affected: yes.
Comment: Has not been previously published as pathogenic or benign to our knowledge; Not observed in large population cohorts (Lek et al., 2016); In silico analysis, which includes protein predictors and evolutionary conservation, supports a deleterious effect